The following is an entry in ClinVar:

NM_000492.4(CFTR):c.1219G>A (p.Glu407Lys)

Genes: CFTR (CF transmembrane conductance regulator; plus strand), CFTR-AS1 (CFTR antisense RNA 1; minus strand). Cytogenetic location: 7q31.2.
Variant type: single nucleotide variant.
Coding change: c.1219G>A on transcript NM_000492.4 (MANE Select); coding-DNA position 1219, G replaced by A.
Protein change: p.Glu407Lys; replaces glutamic acid 407 with lysine.
Molecular consequence: missense variant.
Genome position (GRCh38, 1-based): chr7:117,548,650, G>A. VCF-style: chr7-117548650-G-A. GRCh37 (hg19) VCF-style: chr7-117188704-G-A.
Other names: short protein forms E407K.
Identifiers: ClinVar variation 928981 (VCV000928981.12), dbSNP rs766063304, ClinGen allele CA4450957.

ClinVar aggregate classification (germline): Uncertain significance. Review status: criteria provided, multiple submitters, no conflicts (2 of 4 stars). 6 submissions from 6 submitters: Uncertain significance (5). 1 of the submissions does not count toward it. Last evaluated 2025-06-06.

Conditions:
Bronchiectasis with or without elevated sweat chloride 1 (BESC1). Also called: Cystic Fibrosis-Like Syndrome. Identifiers: Orphanet 60033, MedGen C2749757, MONDO:0008887, OMIM 211400.
Cystic fibrosis (CF). Also called: MUCOVISCIDOSIS. Identifiers: Orphanet 586, MedGen C0010674, MONDO:0009061, OMIM 219700. Disease mechanism: loss of function.
Congenital bilateral aplasia of vas deferens from CFTR mutation (CBAVD). Identifiers: Orphanet 48, MedGen C0403814, MONDO:0010178, OMIM 277180. Disease mechanism: loss of function.
Hereditary pancreatitis (PCTT). Also called: Hereditary chronic pancreatitis; PRSS1-Related Hereditary Pancreatitis. Identifiers: Orphanet 676, MedGen C0238339, MONDO:0008185, OMIM 167800.
CFTR-related disorder (CFTR-RD). Also called: CFTR-related disorders; CFTR-related condition. Identifiers: MedGen C5924204, MONDO:7770004.

Allele frequency attached by ClinVar (database versions not stated): gnomAD 0.00001; ExAC 0.00003; TOPMed below 0.00001; gnomAD exomes 0.00004.
gnomAD v4.1: 17 of 1,612,450 alleles (0.0011%); highest among the groups gnomAD compares: East Asian, 0.038%; no homozygotes.

Submissions (6):

Ambry Genetics
Classification: Uncertain significance for Cystic fibrosis. Last evaluated: 2025-06-06. Review status: criteria provided, single submitter. Criteria: Ambry Variant Classification Scheme 2023. Collection method: clinical testing. Allele origin: germline.
Comment: The p.E407K variant (also known as c.1219G>A), located in coding exon 10 of the CFTR gene, results from a G to A substitution at nucleotide position 1219. The glutamic acid at codon 407 is replaced by lysine, an amino acid with similar properties. This amino acid position is well conserved in available vertebrate species. In addition, the in silico prediction for this alteration is inconclusive. Based on the available evidence, the clinical significance of this variant remains unclear.

Labcorp Genetics (formerly Invitae), Labcorp
Classification: Uncertain significance for Cystic fibrosis. Last evaluated: 2022-08-15. Review status: criteria provided, single submitter. Criteria: Invitae Variant Classification Sherloc (09022015). Collection method: clinical testing. Allele origin: germline.
Comment: This sequence change replaces glutamic acid, which is acidic and polar, with lysine, which is basic and polar, at codon 407 of the CFTR protein (p.Glu407Lys). The frequency data for this variant in the population databases is considered unreliable, as metrics indicate poor data quality at this position in the gnomAD database. This missense change has been observed in individual(s) with congenital absence of vas deferens (PMID: 32777524). ClinVar contains an entry for this variant (Variation ID: 928981). Algorithms developed to predict the effect of missense changes on protein structure and function output the following: SIFT: "Tolerated"; PolyPhen-2: "Benign"; Align-GVGD: "Class C0". The lysine amino acid residue is found in multiple mammalian species, which suggests that this missense change does not adversely affect protein function. In summary, the available evidence is currently insufficient to determine the role of this variant in disease. Therefore, it has been classified as a Variant of Uncertain Significance.

Fulgent Genetics
Classification: Uncertain significance for Hereditary pancreatitis; Bronchiectasis with or without elevated sweat chloride 1; Cystic fibrosis; Congenital bilateral aplasia of vas deferens from CFTR mutation. Last evaluated: 2022-04-26. Review status: criteria provided, single submitter. Criteria: ACMG Guidelines, 2015. Collection method: clinical testing. Allele origin: unknown.

Genome-Nilou Lab
Classification: Uncertain significance for Cystic fibrosis. Last evaluated: 2021-09-05. Review status: criteria provided, single submitter. Criteria: ACMG Guidelines, 2015. Collection method: clinical testing. Allele origin: germline. Affected: no.

Women's Health and Genetics/Laboratory Corporation of America, LabCorp
Classification: Uncertain significance. Last evaluated: 2019-01-28. Review status: criteria provided, single submitter. Criteria: LabCorp Variant Classification Summary - May 2015. Collection method: clinical testing. Allele origin: germline.
Comment: Variant summary: CFTR c.1219G>A (p.Glu407Lys) results in a conservative amino acid change in the encoded protein sequence. Three of five in-silico tools predict a benign effect of the variant on protein function. The variant allele was found at a frequency of 4.5e-05 in 247126 control chromosomes (gnomAD). This frequency is not higher than expected for a pathogenic variant in CFTR causing Cystic Fibrosis (4.5e-05 vs 0.013), allowing no conclusion about variant significance. To our knowledge, no occurrence of c.1219G>A in individuals affected with Cystic Fibrosis and no experimental evidence demonstrating its impact on protein function have been reported. No clinical diagnostic laboratories have submitted clinical-significance assessments for this variant to ClinVar after 2014. Based on the evidence outlined above, the variant was classified as uncertain significance.

Natera, Inc.
Classification: Uncertain significance for CFTR-related disorders. Last evaluated: 2018-02-16. Review status: no assertion criteria provided. Collection method: clinical testing. Allele origin: germline. Not counted in ClinVar's aggregate classification.

Literature cited by the submitters: PubMed 32777524 (cited by Labcorp Genetics (formerly Invitae), Labcorp).